The following is an entry in ClinVar:

ClinVar aggregate classification (germline): Uncertain significance. Review status: reviewed by expert panel (3 of 4 stars). 3 submissions from 3 submitters: Uncertain significance (1). 2 of the submissions do not count toward it. Last evaluated 2025-09-05.

Conditions:
Hereditary factor VIII deficiency disease (HEMA). Also called: AUTOSOMAL HEMOPHILIA A; Hemophilia A; HEMOPHILIA, CLASSIC; Hemophilia A, congenital; HEM A; Factor 8 deficiency, congenital. Identifiers: Orphanet 98878, MedGen C0019069, MONDO:0010602, OMIM 306700.

Allele frequency attached by ClinVar (database versions not stated): gnomAD 0.00001 and 0.00005; TOPMed 0.00002; ExAC 0.00006; gnomAD exomes 0.00007.
gnomAD v4.1: 15 of 1,209,397 alleles (0.0012%); highest among the groups gnomAD compares: Admixed American, 0.033%; no homozygotes.

Submissions (3):

ClinGen Coagulation Factor Deficiency Variant Curation Expert Panel, Clingen
Classification: Uncertain significance for Hereditary factor VIII deficiency disease. Last evaluated: 2025-09-05. Review status: reviewed by expert panel. Criteria: ClinGen CoagFactor ACMG Specifications F8 V1.0.0. Collection method: curation. Allele origin: germline. Inheritance: X-linked inheritance.
Comment: The c.748A>G variant in F8 is a missense variant predicted to cause substitution of methionine by valine at amino acid 250 (p.Met250Val). The highest population minor allele frequency in gnomAD v2.1.1 is 0.0004277 (12/28057 alleles) in the Admixed American population and the Grpmax Filtering AF is 0.0002519 (exomes), which is higher than the ClinGen Coagulation Factor Deficiency VCEP threshold (>0.0000333) for BS1, and therefore meets this criterion (BS1). In summary, due to insufficient evidence, this variant meets the criteria to be classified as a variant of uncertain significance (VUS) for hemophilia A based on the ACMG/AMP criteria applied, as specified by the ClinGen Coagulation Factor Deficiency VCEP (version 1.0.0, released 10/5/2023): BS1.

ARUP Laboratories, Molecular Genetics and Genomics, ARUP Laboratories
Classification: Uncertain significance for Hereditary factor VIII deficiency disease. Last evaluated: 2019-01-31. Review status: criteria provided, single submitter. Criteria: ARUP Molecular Germline Variant Investigation Process. Collection method: clinical testing. Allele origin: germline. Not counted in ClinVar's aggregate classification.
Comment: The F8 c.748A>G; p.Met250Val variant (rs781943293), to our knowledge, is not described in the medical literature or in gene-specific databases. It is observed in the Latino population at an overall frequency of 0.043% (12/28057 alleles, 3 hemizygotes) in the Genome Aggregation Database. The methionine at codon 250 is weakly conserved, and computational algorithms (PolyPhen-2, SIFT) predict that this variant is tolerated. Additionally, another variant at this position (c.6749T>G; p.Met250Arg) has been described in two relatives with mild hemophilia A (Guillet 2006). However, due to the lack of clinical and functional data regarding the p.Met250Val variant, its clinical significance cannot be determined with certainty. REFERENCES Guillet B et al. Detection of 95 novel mutations in coagulation factor VIII gene F8 responsible for hemophilia A: results from a single institution. Hum Mutat. 2006 Jul;27(7):676-85.

Illumina Laboratory Services, Illumina
Classification: Likely benign for Hereditary factor VIII deficiency disease. Last evaluated: 2018-01-12. Review status: criteria provided, single submitter. Criteria: ICSL Variant Classification Criteria 13 December 2019. Collection method: clinical testing. Allele origin: germline. Not counted in ClinVar's aggregate classification.
Comment: This variant was observed in the ICSL laboratory as part of a predisposition screen in an ostensibly healthy population. It had not been previously curated by ICSL or reported in the Human Gene Mutation Database (HGMD: prior to June 1st, 2018), and was therefore a candidate for classification through an automated scoring system. Utilizing variant allele frequency, disease prevalence and penetrance estimates, and inheritance mode, an automated score was calculated to assess if this variant is too frequent to cause the disease. Based on the score and internal cut-off values, a variant classified as likely benign is not then subjected to further curation. The score for this variant resulted in a classification of likely benign for this disease.

NM_000132.4(F8):c.748A>G (p.Met250Val)

Gene: F8 (coagulation factor VIII; minus strand). Cytogenetic location: Xq28.
Variant type: single nucleotide variant.
Coding change: c.748A>G on transcript NM_000132.4 (MANE Select); coding-DNA position 748, A replaced by G.
Protein change: p.Met250Val; replaces methionine 250 with valine.
Molecular consequence: missense variant.
Genome position (GRCh38, 1-based): chrX:154,984,726, T>C on the plus strand (A>G on the coding strand, the complement: F8 is on the minus strand). VCF-style: chrX-154984726-T-C. GRCh37 (hg19) VCF-style: chrX-154213001-T-C.
Other names: NM_000132.4(F8):c.748A>G; p.Met250Val; short protein forms M250V.
Identifiers: ClinVar variation 811889 (VCV000811889.12), dbSNP rs781943293, ClinGen allele CA10568547.
Genomic context (GRCh38, chrX:154,984,726, plus strand): 5'-GTTGAGCAGGTGTGTACATACCTGGCAGAGACCTGTTTACATAACCATTGACTGTGTGCA[T>C]TTTAGGCCAGGCCCGAGCAGATGCAGCATCCCTATCCTGCATCAAGGAGTTCTTTGTTTC-3'
Protein context (NP_000123.1, residues 240-260): DAASARAWPK[Met250Val]HTVNGYVNRS